The following is an entry in ClinVar:

NM_001267550.2(TTN):c.40921_40922dup (p.Lys13642fs)

Gene: TTN (titin; minus strand). Cytogenetic location: 2q31.2.
Variant type: Duplication.
Coding change: c.40921_40922dup on transcript NM_001267550.2 (MANE Select); coding-DNA positions 40921 to 40922, 2 bases duplicated (AT; older notation c.40921_40922dupAT).
Protein change: p.Lys13642fs; shifts the reading frame from lysine 13642.
Molecular consequence: frameshift variant.
Genome position (GRCh38, 1-based): chr2:178,637,374-178,637,375, AT duplicated on the plus strand (AT on the coding strand, the reverse complement: TTN is on the minus strand); duplicating any 2 consecutive bases within chr2:178,637,374-178,637,376 gives the same sequence; the c. name uses the placement nearest the transcript's 3' end. VCF-style (leftmost placement, unchanged base first): chr2-178637373-G-GAT. GRCh37 (hg19) VCF-style: chr2-179502100-G-GAT.
Other names: c.35998_35999dup, p.Lys12001fs (NM_001256850.1); c.13726_13727dup, p.Lys4577fs (NM_003319.4); c.33217_33218dup, p.Lys11074fs (NM_133378.4); c.14101_14102dup, p.Lys4702fs (NM_133432.3); c.14302_14303dup, p.Lys4769fs (NM_133437.4); short protein forms K12001fs, K11074fs, K13642fs, K4577fs, K4702fs, K4769fs.
Identifiers: ClinVar variation 2076500 (VCV002076500.4), dbSNP rs2471673356, ClinGen allele CA2580065019.

ClinVar aggregate classification (germline): Likely pathogenic (1 of 4 stars; one submission).

Conditions:
Dilated cardiomyopathy 1G (CMD1G). Identifiers: Orphanet 154, MedGen C1858763, MONDO:0011400, OMIM 604145.
Autosomal recessive limb-girdle muscular dystrophy type 2J (LGMDR10). Also called: Limb-girdle muscular dystrophy, type 2J; MUSCULAR DYSTROPHY, LIMB-GIRDLE, AUTOSOMAL RECESSIVE 10. Identifiers: Orphanet 140922, MedGen C1837342, MONDO:0012127, OMIM 608807.

Submission:

Labcorp Genetics (formerly Invitae), Labcorp
Classification: Likely pathogenic for Dilated cardiomyopathy 1G; Autosomal recessive limb-girdle muscular dystrophy type 2J. Last evaluated: 2024-10-18. Review status: criteria provided, single submitter. Criteria: Invitae Variant Classification Sherloc (09022015). Collection method: clinical testing. Allele origin: germline.
Comment: This sequence change creates a premature translational stop signal (p.Lys13642Serfs*12) in the TTN gene. While this is not anticipated to result in nonsense mediated decay, it is expected to create a truncated TTN protein. This variant is not present in population databases (gnomAD no frequency). This variant has not been reported in the literature in individuals affected with TTN-related conditions. ClinVar contains an entry for this variant (Variation ID: 2076500). This variant is located in the I band of TTN (PMID: 25589632). Truncating variants in this region have been reported in individuals affected with autosomal recessive centronuclear myopathy (PMID: 23975875, internal data). Truncating variants in this region have also been identified in individuals affected with autosomal dominant dilated cardiomyopathy and/or cardio-related conditions (PMID: 27869827, 32964742, internal data). In summary, the currently available evidence indicates that the variant is pathogenic, but additional data are needed to prove that conclusively. Therefore, this variant has been classified as Likely Pathogenic.

Literature cited by the submitters: PubMed 25589632; PubMed 23975875; PubMed 27869827; PubMed 32964742.